The following is an entry in ClinVar:

ClinVar aggregate classification (germline): Benign/Likely benign. Review status: criteria provided, multiple submitters, no conflicts (2 of 4 stars). 8 submissions from 8 submitters: Benign (3); Likely benign (4). 1 of the submissions does not count toward it. Last evaluated 2025-12-17.

Conditions:
Maturity-onset diabetes of the young (MODY). Also called: Maturity onset diabetes mellitus in young. Identifiers: Orphanet 552, MedGen C0342276, MONDO:0018911, HP:0004904.
PDX1-related disorder. Also called: PDX1-related condition; PDX1-related disorders.

Allele frequency attached by ClinVar (database versions not stated): gnomAD exomes 0.00013 and 0.00038; ExAC 0.00057; ESP Exome Variant Server 0.00156; TOPMed 0.00159; 1000 Genomes Project 0.00280; 1000 Genomes Project 30x 0.00281.
gnomAD v4.1: 419 of 1,609,466 alleles (0.026%); highest among the groups gnomAD compares: African/African-American, 0.49%; 1 homozygote.

Submissions (8):

Labcorp Genetics (formerly Invitae), Labcorp
Classification: Benign. Last evaluated: 2025-12-17. Review status: criteria provided, single submitter. Criteria: Invitae Variant Classification Sherloc (09022015). Collection method: clinical testing. Allele origin: germline.

Women's Health and Genetics/Laboratory Corporation of America, LabCorp
Classification: Benign. Last evaluated: 2024-12-06. Review status: criteria provided, single submitter. Criteria: LabCorp Variant Classification Summary - May 2015. Collection method: clinical testing. Allele origin: germline.

Ambry Genetics
Classification: Likely benign for Maturity-onset diabetes of the young. Last evaluated: 2021-10-13. Review status: criteria provided, single submitter. Criteria: Ambry Variant Classification Scheme 2023. Collection method: clinical testing. Allele origin: germline.

Athena Diagnostics
Classification: Likely benign. Last evaluated: 2018-08-24. Review status: criteria provided, single submitter. Criteria: Athena Diagnostics Criteria. Collection method: clinical testing. Allele origin: germline.

GeneDx
Classification: Likely benign. Last evaluated: 2016-10-03. Review status: criteria provided, single submitter. Criteria: GeneDx Variant Classification (06012015). Collection method: clinical testing. Allele origin: germline. Affected: yes.
Comment: This variant is considered likely benign or benign based on one or more of the following criteria: it is a conservative change, it occurs at a poorly conserved position in the protein, it is predicted to be benign by multiple in silico algorithms, and/or has population frequency not consistent with disease.

Eurofins Ntd Llc (ga)
Classification: Benign. Last evaluated: 2015-09-21. Review status: criteria provided, single submitter. Criteria: EGL Classification Definitions 2015. Collection method: clinical testing. Allele origin: germline. Observed: 1 variant allele, 1 heterozygote.

Breakthrough Genomics
Classification: Likely benign. Review status: criteria provided, single submitter. Criteria: ACMG Guidelines, 2015. Collection method: not provided. Allele origin: germline. Inheritance: Autosomal recessive inheritance. Affected: yes.

PreventionGenetics, part of Exact Sciences
Classification: Likely benign for PDX1-related condition. Last evaluated: 2019-04-22. Review status: no assertion criteria provided. Collection method: clinical testing. Allele origin: germline. Not counted in ClinVar's aggregate classification.
Comment: This variant is classified as likely benign based on ACMG/AMP sequence variant interpretation guidelines (Richards et al. 2015 PMID: 25741868, with internal and published modifications).

NM_000209.4(PDX1):c.336C>G (p.Pro112=)

Gene: PDX1 (pancreatic and duodenal homeobox 1; plus strand). Cytogenetic location: 13q12.2.
Variant type: single nucleotide variant.
Coding change: c.336C>G on transcript NM_000209.4 (MANE Select); coding-DNA position 336, C replaced by G.
Protein change: p.Pro112=; no amino-acid change (proline 112 retained).
Molecular consequence: synonymous variant.
Genome position (GRCh38, 1-based): chr13:27,920,474, C>G. VCF-style: chr13-27920474-C-G. GRCh37 (hg19) VCF-style: chr13-28494611-C-G.
Identifiers: ClinVar variation 283359 (VCV000283359.20), dbSNP rs149275902, ClinGen allele CA6927620.